The following is an entry in ClinVar:

ClinVar aggregate classification (germline): Uncertain significance (0 of 4 stars; one submission).

Conditions:
RPGRIP1L-related disorder. Also called: RPGRIP1L-related condition; RPGRIP1L-related disorders. Identifiers: MedGen CN239416.

gnomAD v4.1: 6 of 702,824 alleles (0.00085%); highest among the groups gnomAD compares: Admixed American, 0.008%; no homozygotes.

Submission:

PreventionGenetics, part of Exact Sciences
Classification: Uncertain significance for RPGRIP1L-related condition. Last evaluated: 2024-08-05. Review status: no assertion criteria provided. Collection method: clinical testing. Allele origin: germline.
Comment: The RPGRIP1L c.296C>T variant is predicted to result in the amino acid substitution p.Pro99Leu. This variant is referred to as c.230+758C>T (intronic) with the primary transcript NM_015272. To our knowledge, this variant has not been reported in the literature. This variant is reported in 0.012% of alleles in individuals of Latino descent in gnomAD. At this time, the clinical significance of this variant is uncertain due to the absence of conclusive functional and genetic evidence.

NM_015272.5(RPGRIP1L):c.230+758C>T

Gene: RPGRIP1L (RPGRIP1 like; minus strand). Cytogenetic location: 16q12.2.
Variant type: single nucleotide variant.
Coding change: c.230+758C>T on transcript NM_015272.5 (MANE Select); 758 bases into the intron after coding-DNA position 230, C replaced by T.
Molecular consequence: intron variant. On other transcripts: missense variant (1).
Genome position (GRCh38, 1-based): chr16:53,695,393, G>A on the plus strand (C>T on the coding strand, the complement: RPGRIP1L is on the minus strand). VCF-style: chr16-53695393-G-A. GRCh37 (hg19) VCF-style: chr16-53729305-G-A.
Other names: c.296C>T, p.Pro99Leu (NM_001328422.2); c.230+758C>T (NM_001127897.4, NM_001330538.2, NM_001308334.3); short protein forms P99L.
Identifiers: ClinVar variation 3352014 (VCV003352014.1).
Genomic context (GRCh38, chr16:53,695,393, plus strand): 5'-AGCATGCCAGTGGGTTGTTGAAGTCCACAGAGTAGAAACTGAACTGGAACCACCTCCTTA[G>A]GATGGATTCTAAGCAGAAAAACCCTATTTTCATTCTTCAATGGTTGTCTCACCTTTTCTT-3'